The following is an entry in ClinVar:

NM_001204.7(BMPR2):c.2240A>G (p.Lys747Arg)

Gene: BMPR2 (bone morphogenetic protein receptor type 2; plus strand). Cytogenetic location: 2q33.2.
Variant type: single nucleotide variant.
Coding change: c.2240A>G on transcript NM_001204.7 (MANE Select); coding-DNA position 2240, A replaced by G.
Protein change: p.Lys747Arg; replaces lysine 747 with arginine.
Molecular consequence: missense variant.
Genome position (GRCh38, 1-based): chr2:202,555,905, A>G. VCF-style: chr2-202555905-A-G. GRCh37 (hg19) VCF-style: chr2-203420628-A-G.
Other names: short protein forms K747R.
Identifiers: ClinVar variation 3824842 (VCV003824842.1).
Genomic context (GRCh38, chr2:202,555,905, plus strand): 5'-CAAATGGCCAAGCATGTTTGATTCCTGATGTTCTGCCTACTCAGATCTATCCTCTCCCCA[A>G]GCAGCAGAACCTTCCCAAGAGACCTACTAGTTTGCCTTTGAACACCAAAAATTCAACAAA-3'
Protein context (NP_001195.2, residues 737-757): VLPTQIYPLP[Lys747Arg]QQNLPKRPTS

ClinVar aggregate classification (germline): Uncertain significance (1 of 4 stars; one submission).

Conditions:
Inborn genetic diseases. Identifiers: MedGen C0950123, MeSH D030342.

gnomAD v4.1: 2 of 1,614,168 alleles (0.00012%); highest among the groups gnomAD compares: Non-Finnish European, 0.00017%; no homozygotes.

Submission:

Ambry Genetics
Classification: Uncertain significance for Inborn genetic diseases. Last evaluated: 2025-01-15. Review status: criteria provided, single submitter. Criteria: Ambry Variant Classification Scheme 2023. Collection method: clinical testing. Allele origin: germline.
Comment: The p.K747R variant (also known as c.2240A>G), located in coding exon 12 of the BMPR2 gene, results from an A to G substitution at nucleotide position 2240. The lysine at codon 747 is replaced by arginine, an amino acid with highly similar properties. This amino acid position is conserved. In addition, the in silico prediction for this alteration is inconclusive. Based on the available evidence, the clinical significance of this variant remains unclear.